The following is an entry in ClinVar:

ClinVar aggregate classification (germline): Uncertain significance. Review status: criteria provided, single submitter (1 of 4 stars). 2 submissions from 2 submitters: Uncertain significance (1). 1 of the submissions does not count toward it. Last evaluated 2022-08-16.

Conditions:
Glycogen storage disease, type II (IOPD). Also called: Pompe Disease; CARDIOMEGALIA GLYCOGENICA DIFFUSA; Glycogen storage disease type 2; Acid maltase deficiency disease; Aglucosidase alfa; Deficiency of alpha-glucosidase. Identifiers: Orphanet 365, MedGen C0017921, MONDO:0009290, OMIM 232300.

Allele frequency attached by ClinVar (database versions not stated): gnomAD exomes below 0.00001 and 0.00001; TOPMed 0.00001; ExAC 0.00002.
gnomAD v4.1: 2 of 1,613,088 alleles (0.00012%); highest among the groups gnomAD compares: East Asian, 0.0022%; no homozygotes.

Submissions (2):

Labcorp Genetics (formerly Invitae), Labcorp
Classification: Uncertain significance for Glycogen storage disease, type II. Last evaluated: 2022-08-16. Review status: criteria provided, single submitter. Criteria: Invitae Variant Classification Sherloc (09022015). Collection method: clinical testing. Allele origin: germline.
Comment: This sequence change replaces valine, which is neutral and non-polar, with leucine, which is neutral and non-polar, at codon 236 of the GAA protein (p.Val236Leu). This variant is present in population databases (rs777964427, gnomAD 0.02%). This variant has not been reported in the literature in individuals affected with GAA-related conditions. ClinVar contains an entry for this variant (Variation ID: 1009071). Advanced modeling of protein sequence and biophysical properties (such as structural, functional, and spatial information, amino acid conservation, physicochemical variation, residue mobility, and thermodynamic stability) performed at Invitae indicates that this missense variant is not expected to disrupt GAA protein function. In summary, the available evidence is currently insufficient to determine the role of this variant in disease. Therefore, it has been classified as a Variant of Uncertain Significance.

Natera, Inc.
Classification: Uncertain significance for Glycogen storage disease type II. Last evaluated: 2021-05-27. Review status: no assertion criteria provided. Collection method: clinical testing. Allele origin: germline. Not counted in ClinVar's aggregate classification.

NM_000152.5(GAA):c.706G>T (p.Val236Leu)

Gene: GAA (alpha glucosidase; plus strand). Cytogenetic location: 17q25.3.
Variant type: single nucleotide variant.
Coding change: c.706G>T on transcript NM_000152.5 (MANE Select); coding-DNA position 706, G replaced by T.
Protein change: p.Val236Leu; replaces valine 236 with leucine.
Molecular consequence: missense variant.
Genome position (GRCh38, 1-based): chr17:80,107,570, G>T. VCF-style: chr17-80107570-G-T. GRCh37 (hg19) VCF-style: chr17-78081369-G-T.
Other names: c.706G>T, p.Val236Leu (NM_001079803.3, NM_001079804.3); short protein forms V236L.
Identifiers: ClinVar variation 1009071 (VCV001009071.6), dbSNP rs777964427, ClinGen allele CA8814999.